The following is an entry in ClinVar:

ClinVar aggregate classification (germline): Likely benign (1 of 4 stars; one submission).

Allele frequency attached by ClinVar (database versions not stated): ExAC 0.00001.
gnomAD v4.1: 6 of 1,208,824 alleles (0.0005%); highest among the groups gnomAD compares: Non-Finnish European, 0.00067%; no homozygotes.

Submission:

CeGaT Center for Human Genetics Tuebingen
Classification: Likely benign. Last evaluated: 2022-04-01. Review status: criteria provided, single submitter. Criteria: CeGaT Center For Human Genetics Tuebingen Variant Classification Criteria Version 2. Collection method: clinical testing. Allele origin: germline. Affected: yes. Observed: 1 variant allele.
Comment: ADGRG4: BP4, BP7

NM_153834.4(ADGRG4):c.8358A>G (p.Ala2786=)

Gene: ADGRG4 (adhesion G protein-coupled receptor G4; plus strand). Cytogenetic location: Xq26.3.
Variant type: single nucleotide variant.
Coding change: c.8358A>G on transcript NM_153834.4 (MANE Select); coding-DNA position 8358, A replaced by G.
Protein change: p.Ala2786=; no amino-acid change (alanine 2786 retained).
Molecular consequence: synonymous variant.
Genome position (GRCh38, 1-based): chrX:136,399,899, A>G. VCF-style: chrX-136399899-A-G. GRCh37 (hg19) VCF-style: chrX-135482058-A-G.
Identifiers: ClinVar variation 2661516 (VCV002661516.24), dbSNP rs768840698, ClinGen allele CA10527183.
Genomic context (GRCh38, chrX:136,399,899, plus strand): 5'-CTCTTTTAGCAAACTTCGAAAAGATTATCCTGCCAAAATTCTGATCAACCTGTGCACAGC[A>G]CTACTGATGCTAAACCTGGTATTTTTGATCAATTCTTGGTTGTCATCATTTCAGAAAGTG-3'
Protein context (NP_722576.3, residues 2776-2796): PAKILINLCT[Ala2786=]LLMLNLVFLI